The following is an entry in ClinVar:

ClinVar aggregate classification (germline): Uncertain significance (1 of 4 stars; one submission).

Conditions:
Severe myoclonic epilepsy in infancy (DRVT). Also called: SEVERE MYOCLONIC EPILEPSY OF INFANCY; DEVELOPMENTAL AND EPILEPTIC ENCEPHALOPATHY 6A; Severe Myoclonic Epilepsy in Infancy (SMEI); Epileptic encephalopathy, early infantile, 6 (Dravet syndrome); Dravet syndrome. Identifiers: Orphanet 33069, MedGen C0751122, MONDO:0100135, OMIM 607208.

Submission:

Labcorp Genetics (formerly Invitae), Labcorp
Classification: Uncertain significance for Severe myoclonic epilepsy in infancy. Last evaluated: 2022-06-05. Review status: criteria provided, single submitter. Criteria: Invitae Variant Classification Sherloc (09022015). Collection method: clinical testing. Allele origin: germline.
Comment: In summary, the available evidence is currently insufficient to determine the role of this variant in disease. Therefore, it has been classified as a Variant of Uncertain Significance. Algorithms developed to predict the effect of missense changes on protein structure and function (SIFT, PolyPhen-2, Align-GVGD) all suggest that this variant is likely to be disruptive. This variant has not been reported in the literature in individuals affected with SNX27-related conditions. This variant is not present in population databases (gnomAD no frequency). This sequence change replaces glutamic acid, which is acidic and polar, with lysine, which is basic and polar, at codon 241 of the SNX27 protein (p.Glu241Lys).

NM_001330723.2(SNX27):c.721G>A (p.Glu241Lys)

Gene: SNX27 (sorting nexin 27; plus strand). Cytogenetic location: 1q21.3.
Variant type: single nucleotide variant.
Coding change: c.721G>A on transcript NM_001330723.2 (MANE Select); coding-DNA position 721, G replaced by A.
Protein change: p.Glu241Lys; replaces glutamic acid 241 with lysine.
Molecular consequence: missense variant.
Genome position (GRCh38, 1-based): chr1:151,658,412, G>A. VCF-style: chr1-151658412-G-A. GRCh37 (hg19) VCF-style: chr1-151630888-G-A.
Other names: c.721G>A, p.Glu241Lys (NM_030918.6); short protein forms E241K.
Identifiers: ClinVar variation 2002554 (VCV002002554.4), dbSNP rs2524984186, ClinGen allele CA341959441.